The following is an entry in ClinVar:

NM_012330.4(KAT6B):c.3210AGA[4] (p.Glu1076_Asp1077insGlu)

Gene: KAT6B (lysine acetyltransferase 6B; plus strand). Cytogenetic location: 10q22.2.
Variant type: Microsatellite.
Coding change: c.3210AGA[4] on transcript NM_012330.4 (MANE Select); four copies in a row of the 3-base unit AGA starting at c.3210; the reference has three copies in a row; one copy, 3 bases duplicated.
Protein change: p.Glu1076_Asp1077insGlu.
Molecular consequence: inframe insertion.
Genome position (GRCh38, 1-based): chr10:75,022,075-75,022,077, AGA duplicated; duplicating any 3 consecutive bases within chr10:75,022,067-75,022,077 gives the same sequence; the position shown is the placement nearest the transcript's 3' end. VCF-style (leftmost placement, unchanged base first): chr10-75022066-T-TGAA. GRCh37 (hg19) VCF-style: chr10-76781824-T-TGAA.
Other names: c.2661AGA[4], p.Glu893_Asp894insGlu (NM_001256468.2, NM_001370138.1); c.2334AGA[4], p.Glu784_Asp785insGlu (NM_001256469.2, NM_001370139.1, NM_001370140.1 and 2 more transcripts); c.2172AGA[4], p.Glu730_Asp731insGlu (NM_001370132.1); c.1521AGA[4], p.Glu513_Asp514insGlu (NM_001370133.1); c.1125AGA[4], p.Glu381_Asp382insGlu (NM_001370134.1); c.867AGA[4], p.Glu295_Asp296insGlu (NM_001370135.1); c.3210AGA[4], p.Glu1076_Asp1077insGlu (NM_001370136.1, NM_001370137.1); c.2145AGA[4], p.Glu721_Asp722insGlu (NM_001370143.1, NM_001370144.1).
Identifiers: ClinVar variation 2702440 (VCV002702440.3), dbSNP rs765976563, ClinGen allele CA209702317.

ClinVar aggregate classification (germline): Uncertain significance (1 of 4 stars; one submission).

Conditions:
Genitopatellar syndrome (GTPTS). Also called: Genitopatellar syndrome (GPS); ABSENT PATELLAE, SCROTAL HYPOPLASIA, RENAL ANOMALIES, FACIAL DYSMORPHISM, AND MENTAL RETARDATION. Identifiers: Orphanet 85201, MedGen C1853566, MONDO:0011640, OMIM 606170.

Submission:

Labcorp Genetics (formerly Invitae), Labcorp
Classification: Uncertain significance for Genitopatellar syndrome. Last evaluated: 2023-12-12. Review status: criteria provided, single submitter. Criteria: Invitae Variant Classification Sherloc (09022015). Collection method: clinical testing. Allele origin: germline.
Comment: This variant, c.3216_3218dup, results in the insertion of 1 amino acid(s) of the KAT6B protein (p.Glu1076dup), but otherwise preserves the integrity of the reading frame. This variant is not present in population databases (gnomAD no frequency). This variant has not been reported in the literature in individuals affected with KAT6B-related conditions. In summary, the available evidence is currently insufficient to determine the role of this variant in disease. Therefore, it has been classified as a Variant of Uncertain Significance.